The following is an entry in ClinVar:

NM_144997.7(FLCN):c.1337G>T (p.Arg446Leu)

Gene: FLCN (folliculin; minus strand). Cytogenetic location: 17p11.2.
Variant type: single nucleotide variant.
Coding change: c.1337G>T on transcript NM_144997.7 (MANE Select); coding-DNA position 1337, G replaced by T.
Protein change: p.Arg446Leu; replaces arginine 446 with leucine.
Molecular consequence: missense variant.
Genome position (GRCh38, 1-based): chr17:17,215,280, C>A on the plus strand (G>T on the coding strand, the complement: FLCN is on the minus strand). VCF-style: chr17-17215280-C-A. GRCh37 (hg19) VCF-style: chr17-17118594-C-A.
Other names: c.1391G>T, p.Arg464Leu (NM_001353229.2); c.1337G>T, p.Arg446Leu (NM_001353230.2, NM_001353231.2); short protein forms R446L, R464L.
Identifiers: ClinVar variation 1481823 (VCV001481823.8), dbSNP rs750104212, ClinGen allele CA398531430.

ClinVar aggregate classification (germline): Uncertain significance (1 of 4 stars; one submission).

Conditions:
Birt-Hogg-Dube syndrome. Also called: Birt Hogg Dubé syndrome. Identifiers: Orphanet 122, MedGen C0346010, MONDO:0800444.

gnomAD v4.1: 1 of 1,614,134 alleles (0.000062%); highest among the groups gnomAD compares: Non-Finnish European, 0.000085%; no homozygotes.

Submission:

Labcorp Genetics (formerly Invitae), Labcorp
Classification: Uncertain significance for Birt-Hogg-Dube syndrome. Last evaluated: 2021-04-11. Review status: criteria provided, single submitter. Criteria: Invitae Variant Classification Sherloc (09022015). Collection method: clinical testing. Allele origin: germline.
Comment: In summary, the available evidence is currently insufficient to determine the role of this variant in disease. Therefore, it has been classified as a Variant of Uncertain Significance. Algorithms developed to predict the effect of missense changes on protein structure and function are either unavailable or do not agree on the potential impact of this missense change (SIFT: "Deleterious"; PolyPhen-2: "Benign"; Align-GVGD: "Class C15"). This variant has not been reported in the literature in individuals with FLCN-related conditions. This variant is not present in population databases (ExAC no frequency). This sequence change replaces arginine with leucine at codon 446 of the FLCN protein (p.Arg446Leu). The arginine residue is highly conserved and there is a moderate physicochemical difference between arginine and leucine.